The following is an entry in ClinVar:

NM_000466.3(PEX1):c.808del (p.Ile270fs)

Gene: PEX1 (peroxisomal biogenesis factor 1; minus strand). Cytogenetic location: 7q21.2.
Variant type: Deletion.
Coding change: c.808del on transcript NM_000466.3 (MANE Select); coding-DNA position 808, one base deleted (A; older notation c.808delA).
Protein change: p.Ile270fs; shifts the reading frame from isoleucine 270.
Molecular consequence: frameshift variant.
Genome position (GRCh38, 1-based): chr7:92,517,707, T deleted on the plus strand (A on the coding strand, the reverse complement: PEX1 is on the minus strand); the first of 3 consecutive T bases (chr7:92,517,707-92,517,709); deleting any one gives the same sequence. VCF-style (leftmost placement, unchanged base first): chr7-92517706-AT-A. GRCh37 (hg19) VCF-style: chr7-92147020-AT-A.
Other names: c.808del, p.Ile270fs (NM_001282677.2); c.184del, p.Ile62fs (NM_001282678.2); short protein forms I270fs, I62fs.
Identifiers: ClinVar variation 5011331 (VCV005011331.1).

ClinVar aggregate classification (germline): Pathogenic (1 of 4 stars; one submission).

Conditions:
Peroxisome biogenesis disorder. Identifiers: Orphanet 79189, MedGen C1832200, MONDO:0019234. Disease mechanism: loss of function.

Submission:

Myriad Genetics, Inc.
Classification: Pathogenic for Peroxisome biogenesis disorder. Last evaluated: 2023-08-12. Review status: criteria provided, single submitter. Criteria: Myriad Autosomal Dominant, Autosomal Recessive and X-Linked Classification Criteria (2023). Collection method: clinical testing. Allele origin: unknown.
Comment: NM_000466.2(PEX1):c.808delA(I270Sfs*14) is expected to be pathogenic in the context of peroxisome biogenesis disorder type 1. This variant is predicted to lead to an abnormal or absent protein product due to the creation of a premature termination codon in PEX1, a gene where loss-of-function variants are known to be pathogenic. Please note: this variant was assessed in the context of healthy population screening.